The following is an entry in ClinVar:

NM_001165963.4(SCN1A):c.3200C>A (p.Ala1067Glu)

Genes: SCN1A (sodium voltage-gated channel alpha subunit 1; minus strand), LOC102724058 (uncharacterized LOC102724058; plus strand). Cytogenetic location: 2q24.3.
Variant type: single nucleotide variant.
Coding change: c.3200C>A on transcript NM_001165963.4 (MANE Select); coding-DNA position 3200, C replaced by A.
Protein change: p.Ala1067Glu; replaces alanine 1067 with glutamic acid.
Molecular consequence: missense variant. On other transcripts: non-coding transcript variant (2).
Genome position (GRCh38, 1-based): chr2:166,036,277, G>T on the plus strand (C>A on the coding strand, the complement: SCN1A is on the minus strand). VCF-style: chr2-166036277-G-T. GRCh37 (hg19) VCF-style: chr2-166892787-G-T.
Other names: c.3164C>A, p.Ala1055Glu (NM_001353955.2, NM_001353954.2); c.3116C>A, p.Ala1039Glu (NM_001353957.2, NM_001353958.2, NM_001165964.3); c.3113C>A, p.Ala1038Glu (NM_001353960.2); c.758C>A, p.Ala253Glu (NM_001353961.2); c.3167C>A, p.Ala1056Glu (NM_006920.6, NM_001353949.2, NM_001353950.2 and 2 more transcripts); c.3200C>A, p.Ala1067Glu (NM_001202435.3, NM_001353948.2); short protein forms A1038E, A1056E, A1067E, A1055E, A1039E, A253E.
Identifiers: ClinVar variation 2754377 (VCV002754377.3), dbSNP rs2468077801, ClinGen allele CA349059589.

ClinVar aggregate classification (germline): Uncertain significance (1 of 4 stars; one submission).

Conditions:
Early-infantile DEE. Also called: Ohtahara syndrome; Early infantile epileptic encephalopathy; Early infantile epileptic encephalopathy with suppression bursts. Identifiers: Orphanet 1934, MedGen C0393706, MONDO:0800491.

Submission:

Labcorp Genetics (formerly Invitae), Labcorp
Classification: Uncertain significance for Early-infantile DEE. Last evaluated: 2023-08-22. Review status: criteria provided, single submitter. Criteria: Invitae Variant Classification Sherloc (09022015). Collection method: clinical testing. Allele origin: germline.
Comment: In summary, the available evidence is currently insufficient to determine the role of this variant in disease. Therefore, it has been classified as a Variant of Uncertain Significance. Advanced modeling of protein sequence and biophysical properties (such as structural, functional, and spatial information, amino acid conservation, physicochemical variation, residue mobility, and thermodynamic stability) performed at Invitae indicates that this missense variant is not expected to disrupt SCN1A protein function. This sequence change replaces alanine, which is neutral and non-polar, with glutamic acid, which is acidic and polar, at codon 1067 of the SCN1A protein (p.Ala1067Glu). This variant is not present in population databases (gnomAD no frequency). This variant has not been reported in the literature in individuals affected with SCN1A-related conditions.